The following is an entry in ClinVar:

ClinVar aggregate classification (germline): Uncertain significance (1 of 4 stars; one submission).

Allele frequency attached by ClinVar (database versions not stated): gnomAD exomes below 0.00001; gnomAD 0.00003; TOPMed 0.00003.
gnomAD v4.1: 7 of 1,613,930 alleles (0.00043%); highest among the groups gnomAD compares: African/African-American, 0.008%; no homozygotes.

Submission:

Labcorp Genetics (formerly Invitae), Labcorp
Classification: Uncertain significance. Last evaluated: 2024-02-23. Review status: criteria provided, single submitter. Criteria: Invitae Variant Classification Sherloc (09022015). Collection method: clinical testing. Allele origin: germline.
Comment: This sequence change replaces proline, which is neutral and non-polar, with serine, which is neutral and polar, at codon 598 of the RUSC2 protein (p.Pro598Ser). This variant is present in population databases (no rsID available, gnomAD 0.007%). This variant has not been reported in the literature in individuals affected with RUSC2-related conditions. ClinVar contains an entry for this variant (Variation ID: 1988985). An algorithm developed to predict the effect of missense changes on protein structure and function (PolyPhen-2) suggests that this variant is likely to be disruptive. In summary, the available evidence is currently insufficient to determine the role of this variant in disease. Therefore, it has been classified as a Variant of Uncertain Significance.

NM_014806.5(RUSC2):c.1792C>T (p.Pro598Ser)

Gene: RUSC2 (RUN and SH3 domain containing 2; plus strand). Cytogenetic location: 9p13.3.
Variant type: single nucleotide variant.
Coding change: c.1792C>T on transcript NM_014806.5 (MANE Select); coding-DNA position 1792, C replaced by T.
Protein change: p.Pro598Ser; replaces proline 598 with serine.
Molecular consequence: missense variant. On other transcripts: intron variant (1).
Genome position (GRCh38, 1-based): chr9:35,548,313, C>T. VCF-style: chr9-35548313-C-T. GRCh37 (hg19) VCF-style: chr9-35548310-C-T.
Other names: c.1792C>T, p.Pro598Ser (NM_001135999.2); c.-620-6747C>T (NM_001330740.2); short protein forms P598S.
Identifiers: ClinVar variation 1988985 (VCV001988985.4), dbSNP rs1422871912, ClinGen allele CA373335824.
Genomic context (GRCh38, chr9:35,548,313, plus strand): 5'-GAAGCCCAGCAAGATCGGGGGGCCCCACTGGATGAGGGCACTTGCTGTAGCCATAGCCTG[C>T]CACCCATGCCTTTGGGGCCAGGCATGGACCTACTTGGCCCAGACCCAAGTCCACCCTGGT-3'
Protein context (NP_055621.2, residues 588-608): DEGTCCSHSL[Pro598Ser]PMPLGPGMDL